The following is an entry in ClinVar:

NM_004327.4(BCR):c.2356G>A (p.Ala786Thr)

Gene: BCR (BCR activator of RhoGEF and GTPase; plus strand). Cytogenetic location: 22q11.23.
Variant type: single nucleotide variant.
Coding change: c.2356G>A on transcript NM_004327.4 (MANE Select); coding-DNA position 2356, G replaced by A.
Protein change: p.Ala786Thr; replaces alanine 786 with threonine.
Molecular consequence: missense variant.
Genome position (GRCh38, 1-based): chr22:23,285,151, G>A. VCF-style: chr22-23285151-G-A. GRCh37 (hg19) VCF-style: chr22-23627338-G-A.
Other names: c.2356G>A, p.Ala786Thr (NM_021574.3); short protein forms A786T.
Identifiers: ClinVar variation 625894 (VCV000625894.4), dbSNP rs1259370853, ClinGen allele CA410896956.

ClinVar aggregate classification (germline): Uncertain significance (1 of 4 stars; one submission).

Conditions:
Chronic myeloid leukemia. Also called: Chronic myelogenous leukemia; Chronic myelogenous leukemia, BCR-ABL1 positive. Identifiers: Orphanet 521, MedGen C0279543, MeSH D015464, MONDO:0011996, OMIM 608232, HP:0005506.
Acute lymphoid leukemia (ALL). Also called: Leukemia, acute lymphoblastic, somatic; Acute lymphoblastic leukemia; Acute lymphocytic leukemia; Lymphoblastic leukemia. Identifiers: Orphanet 513, MedGen C0023449, MONDO:0004967, OMIM 613065, HP:0006721.

Allele frequency attached by ClinVar (database versions not stated): gnomAD 0.00002; gnomAD exomes 0.00003; TOPMed 0.00003.
gnomAD v4.1: 37 of 1,613,786 alleles (0.0023%); highest among the groups gnomAD compares: Admixed American, 0.018%; no homozygotes.

Submission:

Center for Genomics, Ann and Robert H. Lurie Children's Hospital of Chicago
Classification: Uncertain significance for Chronic myeloid leukemia; Acute lymphoid leukemia. Review status: criteria provided, single submitter. Criteria: ACMG Guidelines, 2015. Collection method: clinical testing. Allele origin: germline.
Comment: BCR NM_004327.3 exon 10 p.Ala786Thr (c.2356G>A): This variant has not been reported in the literature but is present in 6/34372 Latino alleles in the Genome Aggregation Database. Evolutionary conservation and computational predictive tools suggest that this variant may impact the protein. In summary, data on this variant is insufficient for disease classification. Therefore, the clinical significance of this variant is uncertain.